The following is an entry in ClinVar:

ClinVar aggregate classification (germline): Uncertain significance. Review status: criteria provided, single submitter (1 of 4 stars). 2 submissions from 2 submitters: Uncertain significance (1). 1 of the submissions does not count toward it. Last evaluated 2026-01-27.

Conditions:
Rare genetic intellectual disability. Identifiers: Orphanet 183757, MedGen C5680527.

Allele frequency attached by ClinVar (database versions not stated): gnomAD 0.00011; TOPMed 0.00015; gnomAD exomes 0.00002; ExAC 0.00004; ESP Exome Variant Server 0.00023.
gnomAD v4.1: 62 of 1,614,046 alleles (0.0038%); highest among the groups gnomAD compares: African/African-American, 0.059%; no homozygotes.

Submissions (2):

Labcorp Genetics (formerly Invitae), Labcorp
Classification: Uncertain significance. Last evaluated: 2026-01-27. Review status: criteria provided, single submitter. Criteria: Invitae Variant Classification Sherloc (09022015). Collection method: clinical testing. Allele origin: germline.
Comment: This sequence change replaces threonine, which is neutral and polar, with alanine, which is neutral and non-polar, at codon 171 of the KANK1 protein (p.Thr171Ala). This variant is present in population databases (rs113784365, gnomAD 0.04%). This variant has not been reported in the literature in individuals affected with KANK1-related conditions. ClinVar contains an entry for this variant (Variation ID: 978413). An algorithm developed to predict the effect of missense changes on protein structure and function outputs the following: PolyPhen-2: "Benign". The alanine amino acid residue is found in multiple mammalian species, which suggests that this missense change does not adversely affect protein function. In summary, the available evidence is currently insufficient to determine the role of this variant in disease. Therefore, it has been classified as a Variant of Uncertain Significance.

Service de Génétique Moléculaire, Hôpital Robert Debré
Classification: Uncertain significance for Rare genetic intellectual disability. Review status: no assertion criteria provided. Collection method: clinical testing. Allele origin: paternal. Not counted in ClinVar's aggregate classification.

NM_015158.5(KANK1):c.511A>G (p.Thr171Ala)

Gene: KANK1 (KN motif and ankyrin repeat domains 1; plus strand). Cytogenetic location: 9p24.3.
Variant type: single nucleotide variant.
Coding change: c.511A>G on transcript NM_015158.5 (MANE Select); coding-DNA position 511, A replaced by G.
Protein change: p.Thr171Ala; replaces threonine 171 with alanine.
Molecular consequence: missense variant. On other transcripts: non-coding transcript variant (1).
Genome position (GRCh38, 1-based): chr9:711,277, A>G. VCF-style: chr9-711277-A-G. GRCh37 (hg19) VCF-style: chr9-711277-A-G.
Other names: c.511A>G, p.Thr171Ala (NM_001256876.3, NM_001256877.3, NM_001354331.2 and 2 more transcripts); c.37A>G, p.Thr13Ala (NM_001354333.2, NM_001354335.2, NM_001354336.2 and 9 more transcripts); short protein forms T171A, T13A.
Identifiers: ClinVar variation 978413 (VCV000978413.4), dbSNP rs113784365, ClinGen allele CA4959962.